The following is an entry in ClinVar:

ClinVar aggregate classification (germline): Uncertain significance (1 of 4 stars; one submission).

Allele frequency attached by ClinVar (database versions not stated): gnomAD exomes 0.00001; ExAC 0.00002.
gnomAD v4.1: 9 of 1,613,668 alleles (0.00056%); highest among the groups gnomAD compares: South Asian, 0.0099%; no homozygotes.

Submission:

Labcorp Genetics (formerly Invitae), Labcorp
Classification: Uncertain significance. Last evaluated: 2023-07-18. Review status: criteria provided, single submitter. Criteria: Invitae Variant Classification Sherloc (09022015). Collection method: clinical testing. Allele origin: germline.
Comment: This sequence change replaces glycine, which is neutral and non-polar, with serine, which is neutral and polar, at codon 2329 of the DCHS1 protein (p.Gly2329Ser). This variant is present in population databases (rs781670585, gnomAD 0.01%). This variant has not been reported in the literature in individuals affected with DCHS1-related conditions. Advanced modeling of protein sequence and biophysical properties (such as structural, functional, and spatial information, amino acid conservation, physicochemical variation, residue mobility, and thermodynamic stability) performed at Invitae indicates that this missense variant is not expected to disrupt DCHS1 protein function. In summary, the available evidence is currently insufficient to determine the role of this variant in disease. Therefore, it has been classified as a Variant of Uncertain Significance.

NM_003737.4(DCHS1):c.6985G>A (p.Gly2329Ser)

Gene: DCHS1 (dachsous cadherin-related 1; minus strand). Cytogenetic location: 11p15.4.
Variant type: single nucleotide variant.
Coding change: c.6985G>A on transcript NM_003737.4 (MANE Select); coding-DNA position 6985, G replaced by A.
Protein change: p.Gly2329Ser; replaces glycine 2329 with serine.
Molecular consequence: missense variant.
Genome position (GRCh38, 1-based): chr11:6,625,359, C>T on the plus strand (G>A on the coding strand, the complement: DCHS1 is on the minus strand). VCF-style: chr11-6625359-C-T. GRCh37 (hg19) VCF-style: chr11-6646590-C-T.
Other names: short protein forms G2329S.
Identifiers: ClinVar variation 2994022 (VCV002994022.3), dbSNP rs781670585, ClinGen allele CA5859720.
Genomic context (GRCh38, chr11:6,625,359, plus strand): 5'-GCTGCAGCTGGTAGCGGTCACACTGCTCAAAGTCCAGGGGCCCCGTGAGGGAGACACGGC[C>T]TCCATAGCGGCCAACACTGAAGGGATCCTGGGGCCCAGATGGGCTTAGCACATACCACAG-3'
Protein context (NP_003728.1, residues 2319-2339): QDPFSVGRYG[Gly2329Ser]RVSLTGPLDF